The following is an entry in ClinVar:

ClinVar aggregate classification (germline): Uncertain significance (1 of 4 stars; one submission).

Conditions:
Spermatogenic failure 18. Identifiers: MedGen C4539783, MONDO:0054615, OMIM 617576.
Ciliary dyskinesia, primary, 37 (CILD37). Also called: CILIARY DYSKINESIA, PRIMARY, 37, WITH OR WITHOUT SITUS INVERSUS. Identifiers: MedGen C4539798, MONDO:0033204, OMIM 617577.

gnomAD v4.1: 7 of 1,613,584 alleles (0.00043%); highest among the groups gnomAD compares: Admixed American, 0.0033%; no homozygotes.

Submission:

Labcorp Genetics (formerly Invitae), Labcorp
Classification: Uncertain significance for Ciliary dyskinesia, primary, 37; Spermatogenic failure 18. Last evaluated: 2025-03-14. Review status: criteria provided, single submitter. Criteria: Invitae Variant Classification Sherloc (09022015). Collection method: clinical testing. Allele origin: germline.
Comment: This sequence change replaces histidine, which is basic and polar, with arginine, which is basic and polar, at codon 2812 of the DNAH1 protein (p.His2812Arg). This variant is present in population databases (no rsID available, gnomAD 0.006%). This variant has not been reported in the literature in individuals affected with DNAH1-related conditions. Invitae Evidence Modeling of protein sequence and biophysical properties (such as structural, functional, and spatial information, amino acid conservation, physicochemical variation, residue mobility, and thermodynamic stability) indicates that this missense variant is not expected to disrupt DNAH1 protein function with a negative predictive value of 80%. In summary, the available evidence is currently insufficient to determine the role of this variant in disease. Therefore, it has been classified as a Variant of Uncertain Significance.

NM_015512.5(DNAH1):c.8435A>G (p.His2812Arg)

Gene: DNAH1 (dynein axonemal heavy chain 1; plus strand). Cytogenetic location: 3p21.1.
Variant type: single nucleotide variant.
Coding change: c.8435A>G on transcript NM_015512.5 (MANE Select); coding-DNA position 8435, A replaced by G.
Protein change: p.His2812Arg; replaces histidine 2812 with arginine.
Molecular consequence: missense variant.
Genome position (GRCh38, 1-based): chr3:52,384,898, A>G. VCF-style: chr3-52384898-A-G. GRCh37 (hg19) VCF-style: chr3-52418914-A-G.
Other names: short protein forms H2812R.
Identifiers: ClinVar variation 3751682 (VCV003751682.2).